The following is an entry in ClinVar:

NM_002578.5(PAK3):c.21T>G (p.Asn7Lys)

Gene: PAK3 (p21 (RAC1) activated kinase 3; plus strand). Cytogenetic location: Xq23.
Variant type: single nucleotide variant.
Coding change: c.21T>G on transcript NM_002578.5 (MANE Select); coding-DNA position 21, T replaced by G.
Protein change: p.Asn7Lys; replaces asparagine 7 with lysine.
Molecular consequence: missense variant. On other transcripts: non-coding transcript variant (9).
Genome position (GRCh38, 1-based): chrX:111,123,124, T>G. VCF-style: chrX-111123124-T-G. GRCh37 (hg19) VCF-style: chrX-110366352-T-G.
Other names: c.21T>G, p.Asn7Lys (NM_001128166.3, NM_001128167.3, NM_001128168.3 and 12 more transcripts); short protein forms N7K.
Identifiers: ClinVar variation 2131690 (VCV002131690.4), dbSNP rs1189894083, ClinGen allele CA414238424.

ClinVar aggregate classification (germline): Uncertain significance (1 of 4 stars; one submission).

Submission:

Labcorp Genetics (formerly Invitae), Labcorp
Classification: Uncertain significance. Last evaluated: 2022-04-29. Review status: criteria provided, single submitter. Criteria: Invitae Variant Classification Sherloc (09022015). Collection method: clinical testing. Allele origin: germline.
Comment: Algorithms developed to predict the effect of missense changes on protein structure and function are either unavailable or do not agree on the potential impact of this missense change (SIFT: "Not Available"; PolyPhen-2: "Benign"; Align-GVGD: "Not Available"). In summary, the available evidence is currently insufficient to determine the role of this variant in disease. Therefore, it has been classified as a Variant of Uncertain Significance. This variant has not been reported in the literature in individuals affected with PAK3-related conditions. This sequence change replaces asparagine, which is neutral and polar, with lysine, which is basic and polar, at codon 7 of the PAK3 protein (p.Asn7Lys). This variant is present in population databases (no rsID available, gnomAD 0.004%), including at least one homozygous and/or hemizygous individual.